The following is an entry in ClinVar:

NM_017763.6(RNF43):c.769G>T (p.Gly257Cys)

Gene: RNF43 (ring finger protein 43; minus strand). Cytogenetic location: 17q22.
Variant type: single nucleotide variant.
Coding change: c.769G>T on transcript NM_017763.6 (MANE Select); coding-DNA position 769, G replaced by T.
Protein change: p.Gly257Cys; replaces glycine 257 with cysteine.
Molecular consequence: missense variant.
Genome position (GRCh38, 1-based): chr17:58,360,863, C>A on the plus strand (G>T on the coding strand, the complement: RNF43 is on the minus strand). VCF-style: chr17-58360863-C-A. GRCh37 (hg19) VCF-style: chr17-56438224-C-A.
Other names: c.769G>T, p.Gly257Cys (NM_001305544.3, NM_001438820.1, NM_001438821.1 and 1 more transcripts); c.388G>T, p.Gly130Cys (NM_001305545.2, NM_001437987.1); short protein forms G130C, G257C.
Identifiers: ClinVar variation 4578969 (VCV004578969.1).

ClinVar aggregate classification (germline): Uncertain significance (1 of 4 stars; one submission).

Submission:

Ambry Genetics
Classification: Uncertain significance. Last evaluated: 2025-10-16. Review status: criteria provided, single submitter. Criteria: Ambry Variant Classification Scheme 2023. Collection method: clinical testing. Allele origin: germline.
Comment: The p.G257C variant (also known as c.769G>T), located in coding exon 6 of the RNF43 gene, results from a G to T substitution at nucleotide position 769. The glycine at codon 257 is replaced by cysteine, an amino acid with highly dissimilar properties. This amino acid position is conserved. In addition, this alteration is predicted to be tolerated by in silico analysis. Based on the available evidence, the clinical significance of this variant remains unclear.